The following is an entry in ClinVar:

ClinVar aggregate classification (germline): Uncertain significance. Review status: criteria provided, multiple submitters, no conflicts (2 of 4 stars). 2 submissions from 2 submitters: Uncertain significance (2). Last evaluated 2023-08-17.

Conditions:
Developmental and epileptic encephalopathy, 1 (DEE1). Also called: X-linked infantile spasms; West's syndrome; Tonic spasms with clustering, arrest of psychomotor development and hypsarrhythmia on EEG; X-Linked Infantile Spasm Syndrome; OHTAHARA SYNDROME, X-LINKED; INFANTILE SPASM SYNDROME, X-LINKED 1. Identifiers: MedGen C3463992, MONDO:0010632, OMIM 308350. Disease mechanism: loss of function.
Autosomal dominant nonsyndromic hearing loss 65. Also called: Deafness, autosomal dominant 65; TBC1D24-Related Autosomal Dominant Nonsyndromic Hearing Loss (DFNA). Identifiers: Orphanet 90635, MedGen C3892048, MONDO:0014470, OMIM 616044.

Allele frequency attached by ClinVar (database versions not stated): TOPMed below 0.00001; gnomAD 0.00001.

Submissions (2):

Labcorp Genetics (formerly Invitae), Labcorp
Classification: Uncertain significance for Developmental and epileptic encephalopathy, 1; Autosomal dominant nonsyndromic hearing loss 65. Last evaluated: 2023-08-17. Review status: criteria provided, single submitter. Criteria: Invitae Variant Classification Sherloc (09022015). Collection method: clinical testing. Allele origin: germline.
Comment: In summary, the available evidence is currently insufficient to determine the role of this variant in disease. Therefore, it has been classified as a Variant of Uncertain Significance. Advanced modeling of protein sequence and biophysical properties (such as structural, functional, and spatial information, amino acid conservation, physicochemical variation, residue mobility, and thermodynamic stability) performed at Invitae indicates that this missense variant is not expected to disrupt TBC1D24 protein function. ClinVar contains an entry for this variant (Variation ID: 1207336). This variant has not been reported in the literature in individuals affected with TBC1D24-related conditions. This variant is not present in population databases (gnomAD no frequency). This sequence change replaces glutamine, which is neutral and polar, with histidine, which is basic and polar, at codon 213 of the TBC1D24 protein (p.Gln213His).

GeneDx
Classification: Uncertain significance. Last evaluated: 2023-06-27. Review status: criteria provided, single submitter. Criteria: GeneDx Variant Classification Process June 2021. Collection method: clinical testing. Allele origin: germline. Affected: yes.
Comment: Not observed at significant frequency in large population cohorts (gnomAD); In silico analysis supports that this missense variant does not alter protein structure/function; Has not been previously published as pathogenic or benign to our knowledge

NM_001199107.2(TBC1D24):c.639G>C (p.Gln213His)

Gene: TBC1D24 (TBC1 domain family member 24; plus strand). Cytogenetic location: 16p13.3.
Variant type: single nucleotide variant.
Coding change: c.639G>C on transcript NM_001199107.2 (MANE Select); coding-DNA position 639, G replaced by C.
Protein change: p.Gln213His; replaces glutamine 213 with histidine.
Molecular consequence: missense variant.
Genome position (GRCh38, 1-based): chr16:2,496,787, G>C. VCF-style: chr16-2496787-G-C. GRCh37 (hg19) VCF-style: chr16-2546788-G-C.
Other names: c.639G>C, p.Gln213His (NM_020705.3); short protein forms Q213H.
Identifiers: ClinVar variation 1207336 (VCV001207336.9), dbSNP rs1223160118, ClinGen allele CA394376808.
Genomic context (GRCh38, chr16:2,496,787, plus strand): 5'-GGCCCACAAGCTGATGGTGGCCGTGTCGGAGGATGTCCTGCAGGTCTATGCGGACTGGCA[G>C]CGCTGGCTGTTTGGGGAGCTGCCCCTCTGCTACTTCGCCCGGGTCTTTGACGTCTTCCTG-3'
Protein context (NP_001186036.1, residues 203-223): EDVLQVYADW[Gln213His]RWLFGELPLC